The following is an entry in ClinVar:

NM_006019.4(TCIRG1):c.1052G>C (p.Arg351Pro)

Gene: TCIRG1 (T cell immune regulator 1, ATPase H+ transporting V0 subunit a3; plus strand). Cytogenetic location: 11q13.2.
Variant type: single nucleotide variant.
Coding change: c.1052G>C on transcript NM_006019.4 (MANE Select); coding-DNA position 1052, G replaced by C.
Protein change: p.Arg351Pro; replaces arginine 351 with proline.
Molecular consequence: missense variant. On other transcripts: intron variant (1).
Genome position (GRCh38, 1-based): chr11:68,044,989, G>C. VCF-style: chr11-68044989-G-C. GRCh37 (hg19) VCF-style: chr11-67812456-G-C.
Other names: c.158G>C, p.Arg53Pro (NM_001351059.2); c.1052G>C, p.Arg351Pro (NM_001440552.1, NM_001440553.1, NM_001440554.1 and 2 more transcripts); c.1010G>C, p.Arg337Pro (NM_001440555.1, NM_001440556.1, NM_001440563.1); c.839G>C, p.Arg280Pro (NM_001440559.1, NM_001440560.1, NM_001440561.1 and 3 more transcripts); c.797G>C, p.Arg266Pro (NM_001440564.1); c.752G>C, p.Arg251Pro (NM_001440565.1); c.584G>C, p.Arg195Pro (NM_001440568.1); c.404G>C, p.Arg135Pro (NM_006053.4); and 1 more; short protein forms R53P, R280P, R351P, R135P, R195P, R251P, R266P, R337P.
Identifiers: ClinVar variation 4748361 (VCV004748361.1).

ClinVar aggregate classification (germline): Uncertain significance (1 of 4 stars; one submission).

gnomAD v4.1: 7 of 1,608,480 alleles (0.00044%); highest among the groups gnomAD compares: Non-Finnish European, 0.00059%; no homozygotes.

Submission:

Labcorp Genetics (formerly Invitae), Labcorp
Classification: Uncertain significance. Last evaluated: 2025-04-01. Review status: criteria provided, single submitter. Criteria: Invitae Variant Classification Sherloc (09022015). Collection method: clinical testing. Allele origin: germline.
Comment: This sequence change replaces arginine, which is basic and polar, with proline, which is neutral and non-polar, at codon 351 of the TCIRG1 protein (p.Arg351Pro). This variant is not present in population databases (gnomAD no frequency). This variant has not been reported in the literature in individuals affected with TCIRG1-related conditions. Invitae Evidence Modeling of protein sequence and biophysical properties (such as structural, functional, and spatial information, amino acid conservation, physicochemical variation, residue mobility, and thermodynamic stability) indicates that this missense variant is not expected to disrupt TCIRG1 protein function with a negative predictive value of 80%. In summary, the available evidence is currently insufficient to determine the role of this variant in disease. Therefore, it has been classified as a Variant of Uncertain Significance.